The following is an entry in ClinVar:

NM_024700.4(SNIP1):c.365G>A (p.Arg122Gln)

Genes: SNIP1 (Smad nuclear interacting protein 1; minus strand), LOC126805704 (BRD4-independent group 4 enhancer GRCh37_chr1:38005292-38006491; plus strand). Cytogenetic location: 1p34.3.
Variant type: single nucleotide variant.
Coding change: c.365G>A on transcript NM_024700.4 (MANE Select); coding-DNA position 365, G replaced by A.
Protein change: p.Arg122Gln; replaces arginine 122 with glutamine.
Molecular consequence: missense variant.
Genome position (GRCh38, 1-based): chr1:37,540,718, C>T on the plus strand (G>A on the coding strand, the complement: SNIP1 is on the minus strand). VCF-style: chr1-37540718-C-T. GRCh37 (hg19) VCF-style: chr1-38006319-C-T.
Other names: short protein forms R122Q.
Identifiers: ClinVar variation 3622752 (VCV003622752.2).

ClinVar aggregate classification (germline): Uncertain significance (1 of 4 stars; one submission).

gnomAD v4.1: 16 of 1,612,480 alleles (0.00099%); highest among the groups gnomAD compares: South Asian, 0.0055%; no homozygotes.

Submission:

Labcorp Genetics (formerly Invitae), Labcorp
Classification: Uncertain significance. Last evaluated: 2025-01-13. Review status: criteria provided, single submitter. Criteria: Invitae Variant Classification Sherloc (09022015). Collection method: clinical testing. Allele origin: germline.
Comment: This sequence change replaces arginine, which is basic and polar, with glutamine, which is neutral and polar, at codon 122 of the SNIP1 protein (p.Arg122Gln). This variant is present in population databases (rs767076459, gnomAD 0.01%). This variant has not been reported in the literature in individuals affected with SNIP1-related conditions. Invitae Evidence Modeling of protein sequence and biophysical properties (such as structural, functional, and spatial information, amino acid conservation, physicochemical variation, residue mobility, and thermodynamic stability) indicates that this missense variant is not expected to disrupt SNIP1 protein function with a negative predictive value of 80%. In summary, the available evidence is currently insufficient to determine the role of this variant in disease. Therefore, it has been classified as a Variant of Uncertain Significance.